The following is an entry in ClinVar:

ClinVar aggregate classification (germline): Uncertain significance. Review status: criteria provided, multiple submitters, no conflicts (2 of 4 stars). 2 submissions from 2 submitters: Uncertain significance (2). Last evaluated 2024-09-03.

gnomAD v4.1: 260 of 1,612,808 alleles (0.016%); highest among the groups gnomAD compares: Non-Finnish European, 0.02%; no homozygotes.

Submissions (2):

Ambry Genetics
Classification: Uncertain significance. Last evaluated: 2024-09-03. Review status: criteria provided, single submitter. Criteria: Ambry Variant Classification Scheme 2023. Collection method: clinical testing. Allele origin: germline.

Labcorp Genetics (formerly Invitae), Labcorp
Classification: Uncertain significance. Last evaluated: 2024-04-17. Review status: criteria provided, single submitter. Criteria: Invitae Variant Classification Sherloc (09022015). Collection method: clinical testing. Allele origin: germline.
Comment: This sequence change replaces alanine, which is neutral and non-polar, with serine, which is neutral and polar, at codon 348 of the FUK protein (p.Ala348Ser). This variant is present in population databases (rs371159895, gnomAD 0.01%). This variant has not been reported in the literature in individuals affected with FUK-related conditions. An algorithm developed to predict the effect of missense changes on protein structure and function (PolyPhen-2) suggests that this variant is likely to be tolerated. In summary, the available evidence is currently insufficient to determine the role of this variant in disease. Therefore, it has been classified as a Variant of Uncertain Significance.

NM_145059.3(FCSK):c.1042G>T (p.Ala348Ser)

Gene: FCSK (fucose kinase; plus strand). Cytogenetic location: 16q22.1.
Variant type: single nucleotide variant.
Coding change: c.1042G>T on transcript NM_145059.3 (MANE Select); coding-DNA position 1042, G replaced by T.
Protein change: p.Ala348Ser; replaces alanine 348 with serine.
Molecular consequence: missense variant.
Genome position (GRCh38, 1-based): chr16:70,470,400, G>T. VCF-style: chr16-70470400-G-T. GRCh37 (hg19) VCF-style: chr16-70504303-G-T.
Other names: short protein forms A348S.
Identifiers: ClinVar variation 3514525 (VCV003514525.3).